The following is an entry in ClinVar:

NM_015122.3(FCHO1):c.1342G>T (p.Asp448Tyr)

Gene: FCHO1 (FCH and mu domain containing endocytic adaptor 1; plus strand). Cytogenetic location: 19p13.11.
Variant type: single nucleotide variant.
Coding change: c.1342G>T on transcript NM_015122.3 (MANE Select); coding-DNA position 1342, G replaced by T.
Protein change: p.Asp448Tyr; replaces aspartic acid 448 with tyrosine.
Molecular consequence: missense variant. On other transcripts: non-coding transcript variant (24), intron variant (1).
Genome position (GRCh38, 1-based): chr19:17,778,219, G>T. VCF-style: chr19-17778219-G-T. GRCh37 (hg19) VCF-style: chr19-17889028-G-T.
Other names: c.1342G>T, p.Asp448Tyr (NM_001161357.2, NM_001161358.2, NM_001384370.1 and 25 more transcripts); c.1192G>T, p.Asp398Tyr (NM_001161359.2, NM_001384384.1, NM_001384385.1 and 2 more transcripts); c.1303G>T, p.Asp435Tyr (NM_001384388.1, NM_001384389.1, NM_001384405.1); c.1267G>T, p.Asp423Tyr (NM_001384390.1); c.1297G>T, p.Asp433Tyr (NM_001384403.1); c.1057+1948G>T (NM_001384407.1); short protein forms D435Y, D398Y, D423Y, D433Y, D448Y.
Identifiers: ClinVar variation 1374312 (VCV001374312.5), dbSNP rs377362897, ClinGen allele CA9300487.

ClinVar aggregate classification (germline): Uncertain significance (1 of 4 stars; one submission).

Allele frequency attached by ClinVar (database versions not stated): gnomAD 0.00007 and 0.00009; ESP Exome Variant Server 0.00008; TOPMed 0.00008.
gnomAD v4.1: 28 of 1,613,430 alleles (0.0017%); highest among the groups gnomAD compares: African/African-American, 0.031%; no homozygotes.

Submission:

Labcorp Genetics (formerly Invitae), Labcorp
Classification: Uncertain significance. Last evaluated: 2022-06-08. Review status: criteria provided, single submitter. Criteria: Invitae Variant Classification Sherloc (09022015). Collection method: clinical testing. Allele origin: germline.
Comment: This sequence change replaces aspartic acid, which is acidic and polar, with tyrosine, which is neutral and polar, at codon 448 of the FCHO1 protein (p.Asp448Tyr). This variant is present in population databases (rs377362897, gnomAD 0.05%). This variant has not been reported in the literature in individuals affected with FCHO1-related conditions. Algorithms developed to predict the effect of missense changes on protein structure and function are either unavailable or do not agree on the potential impact of this missense change (SIFT: "Tolerated"; PolyPhen-2: "Probably Damaging"; Align-GVGD: "Class C15"). Algorithms developed to predict the effect of sequence changes on RNA splicing suggest that this variant may disrupt the consensus splice site. In summary, the available evidence is currently insufficient to determine the role of this variant in disease. Therefore, it has been classified as a Variant of Uncertain Significance.